The following is an entry in ClinVar:

NM_001134407.3(GRIN2A):c.2071G>A (p.Glu691Lys)

Gene: GRIN2A (glutamate ionotropic receptor NMDA type subunit 2A; minus strand). Cytogenetic location: 16p13.2.
Variant type: single nucleotide variant.
Coding change: c.2071G>A on transcript NM_001134407.3 (MANE Select); coding-DNA position 2071, G replaced by A.
Protein change: p.Glu691Lys; replaces glutamic acid 691 with lysine.
Molecular consequence: missense variant.
Genome position (GRCh38, 1-based): chr16:9,822,361, C>T on the plus strand (G>A on the coding strand, the complement: GRIN2A is on the minus strand). VCF-style: chr16-9822361-C-T. GRCh37 (hg19) VCF-style: chr16-9916218-C-T.
Other names: c.2071G>A, p.Glu691Lys (NM_000833.5, NM_001134408.2); short protein forms E691K.
Identifiers: ClinVar variation 3901888 (VCV003901888.1).
Genomic context (GRCh38, chr16:9,822,361, plus strand): 5'-TCTGATTAAATTTGGTCATGTACTGATGCATGTAGGGATAGTTATTCCGAATGTTTCTCT[C>T]CGTGCTTCCATTAGGCACTGTCCCAAATCGAAAAGGTGGGGAATAGTCATGAGGTCTCTG-3'
Protein context (NP_001127879.1, residues 681-701): RFGTVPNGST[Glu691Lys]RNIRNNYPYM

ClinVar aggregate classification (germline): Likely pathogenic (1 of 4 stars; one submission).

Conditions:
Landau-Kleffner syndrome (FESD). Also called: EPILEPSY, FOCAL, WITH SPEECH DISORDER AND WITH OR WITHOUT MENTAL RETARDATION; APHASIA, ACQUIRED, WITH EPILEPSY. Identifiers: Orphanet 1945, Orphanet 725, Orphanet 98818, MedGen C0282512, MONDO:0009509, OMIM 245570.

Submission:

Rare Disease Center, Seoul National University Hospital
Classification: Likely pathogenic for Landau-Kleffner syndrome. Last evaluated: 2025-03-23. Review status: criteria provided, single submitter. Criteria: ACMG Guidelines, 2015. Collection method: provider interpretation. Allele origin: de novo. Affected: yes. Observed: 1 variant allele.
Comment: In addition, this variant is not present in population databases (gnomAD). Note: This variant was found in clinical genetic testing performed by one or more labs who may also submit to ClinVar. Therefore, any internal case data may overlap with the internal case data of other submitters. The classification and rationale are that of the Rare Disease Center, Seoul National University Hospital